The following is an entry in ClinVar:

ClinVar aggregate classification (germline): Uncertain significance. Review status: criteria provided, multiple submitters, no conflicts (2 of 4 stars). 2 submissions from 2 submitters: Uncertain significance (2). Last evaluated 2025-08-19.

Conditions:
POLD1-related polyposis and colorectal cancer syndrome (CRCS10). Also called: Colorectal cancer 10; COLORECTAL CANCER, SUSCEPTIBILITY TO, ON CHROMOSOME 19q; Colorectal cancer, susceptibility to, 10. Identifiers: Orphanet 220460, MedGen C2675481, MONDO:0012953, OMIM 612591.
Hereditary cancer-predisposing syndrome. Also called: Tumor predisposition; Neoplastic Syndromes, Hereditary; Hereditary Cancer Syndrome; Hereditary neoplastic syndrome. Identifiers: Orphanet 140162, MedGen C0027672, MeSH D009386, MONDO:0015356.

Submissions (2):

Ambry Genetics
Classification: Uncertain significance for Hereditary cancer-predisposing syndrome. Last evaluated: 2025-08-19. Review status: criteria provided, single submitter. Criteria: Ambry Variant Classification Scheme 2023. Collection method: clinical testing. Allele origin: germline.
Comment: The p.V334F variant (also known as c.1000G>T), located in coding exon 8 of the POLD1 gene, results from a G to T substitution at nucleotide position 1000. The valine at codon 334 is replaced by phenylalanine, an amino acid with highly similar properties. This amino acid position is conserved. In addition, this alteration is predicted to be deleterious by in silico analysis. Based on the available evidence, the clinical significance of this variant remains unclear.

Labcorp Genetics (formerly Invitae), Labcorp
Classification: Uncertain significance for POLD1-related polyposis and colorectal cancer syndrome. Last evaluated: 2025-08-18. Review status: criteria provided, single submitter. Criteria: Invitae Variant Classification Sherloc (09022015). Collection method: clinical testing. Allele origin: germline.
Comment: This sequence change replaces valine, which is neutral and non-polar, with phenylalanine, which is neutral and non-polar, at codon 334 of the POLD1 protein (p.Val334Phe). This variant is not present in population databases (gnomAD no frequency). This variant has not been reported in the literature in individuals affected with POLD1-related conditions. ClinVar contains an entry for this variant (Variation ID: 2143143). Invitae Evidence Modeling of protein sequence and biophysical properties (such as structural, functional, and spatial information, amino acid conservation, physicochemical variation, residue mobility, and thermodynamic stability) indicates that this missense variant is expected to disrupt POLD1 protein function with a positive predictive value of 80%. Algorithms developed to predict the effect of sequence changes on RNA splicing suggest that this variant may create or strengthen a splice site. In summary, the available evidence is currently insufficient to determine the role of this variant in disease. Therefore, it has been classified as a Variant of Uncertain Significance.

NM_002691.4(POLD1):c.1000G>T (p.Val334Phe)

Gene: POLD1 (DNA polymerase delta 1, catalytic subunit; plus strand). Cytogenetic location: 19q13.33.
Variant type: single nucleotide variant.
Coding change: c.1000G>T on transcript NM_002691.4 (MANE Select); coding-DNA position 1000, G replaced by T.
Protein change: p.Val334Phe; replaces valine 334 with phenylalanine.
Molecular consequence: missense variant. On other transcripts: non-coding transcript variant (1).
Genome position (GRCh38, 1-based): chr19:50,403,082, G>T. VCF-style: chr19-50403082-G-T. GRCh37 (hg19) VCF-style: chr19-50906339-G-T.
Other names: c.1000G>T, p.Val334Phe (NM_001256849.1, NM_001308632.1); c.1000G>T (NM_002691.2); short protein forms V334F.
Identifiers: ClinVar variation 2143143 (VCV002143143.5), dbSNP rs2513972890, ClinGen allele CA406977893.
Genomic context (GRCh38, chr19:50,403,082, plus strand): 5'-AGTCAGGCCCCTGCATCCTCCTGCCTCGCAGGCATCTTCCCTGAGCCTGAGCGGGACCCT[G>T]TCATCCAGATCTGCTCGCTGGGCCTGCGCTGGGGGGAGCCGGAGCCCTTCCTACGCCTGG-3'
Protein context (NP_002682.2, residues 324-344): GIFPEPERDP[Val334Phe]IQICSLGLRW